The following is an entry in ClinVar:

NM_006796.3(AFG3L2):c.2239C>G (p.Pro747Ala)

Genes: AFG3L2 (AFG3 like matrix AAA peptidase subunit 2; minus strand), TUBB6 (tubulin beta 6 class V; plus strand). Cytogenetic location: 18p11.21.
Variant type: single nucleotide variant.
Coding change: c.2239C>G on transcript NM_006796.3 (MANE Select); coding-DNA position 2239, C replaced by G.
Protein change: p.Pro747Ala; replaces proline 747 with alanine.
Molecular consequence: missense variant. On other transcripts: 3 prime UTR variant (1).
Genome position (GRCh38, 1-based): chr18:12,329,720, G>C on the plus strand (C>G on the coding strand, the complement: AFG3L2 is on the minus strand). VCF-style: chr18-12329720-G-C. GRCh37 (hg19) VCF-style: chr18-12329719-G-C.
Other names: c.*537G>C (NM_001303525.2); short protein forms P747A.
Identifiers: ClinVar variation 2976379 (VCV002976379.5), dbSNP rs1270837132, ClinGen allele CA401950802.

ClinVar aggregate classification (germline): Uncertain significance. Review status: criteria provided, multiple submitters, no conflicts (2 of 4 stars). 3 submissions from 3 submitters: Uncertain significance (3). Last evaluated 2025-01-07.

Conditions:
Inborn genetic diseases. Identifiers: MedGen C0950123, MeSH D030342.

Allele frequency attached by ClinVar (database versions not stated): TOPMed below 0.00001; gnomAD 0.00001.
gnomAD v4.1: 4 of 1,613,968 alleles (0.00025%); highest among the groups gnomAD compares: Non-Finnish European, 0.00034%; no homozygotes.

Submissions (3):

GeneDx
Classification: Uncertain significance. Last evaluated: 2025-01-07. Review status: criteria provided, single submitter. Criteria: GeneDx Variant Classification Process June 2021. Collection method: clinical testing. Allele origin: germline. Affected: yes.
Comment: Has not been previously published as pathogenic or benign to our knowledge; Not observed at significant frequency in large population cohorts (gnomAD); In silico analysis supports that this missense variant has a deleterious effect on protein structure/function

Ambry Genetics
Classification: Uncertain significance for Inborn genetic diseases. Last evaluated: 2024-07-23. Review status: criteria provided, single submitter. Criteria: Ambry Variant Classification Scheme 2023. Collection method: clinical testing. Allele origin: germline.

Labcorp Genetics (formerly Invitae), Labcorp
Classification: Uncertain significance. Last evaluated: 2023-12-06. Review status: criteria provided, single submitter. Criteria: Invitae Variant Classification Sherloc (09022015). Collection method: clinical testing. Allele origin: germline.
Comment: This sequence change replaces proline, which is neutral and non-polar, with alanine, which is neutral and non-polar, at codon 747 of the AFG3L2 protein (p.Pro747Ala). This variant is present in population databases (no rsID available, gnomAD 0.007%). This variant has not been reported in the literature in individuals affected with AFG3L2-related conditions. Advanced modeling of protein sequence and biophysical properties (such as structural, functional, and spatial information, amino acid conservation, physicochemical variation, residue mobility, and thermodynamic stability) has been performed at Invitae for this missense variant, however the output from this modeling did not meet the statistical confidence thresholds required to predict the impact of this variant on AFG3L2 protein function. In summary, the available evidence is currently insufficient to determine the role of this variant in disease. Therefore, it has been classified as a Variant of Uncertain Significance.